The following is an entry in ClinVar:

ClinVar aggregate classification (germline): Uncertain significance (1 of 4 stars; one submission).

gnomAD v4.1: 2 of 1,588,552 alleles (0.00013%); highest among the groups gnomAD compares: South Asian, 0.0023%; no homozygotes.

Submission:

Labcorp Genetics (formerly Invitae), Labcorp
Classification: Uncertain significance. Last evaluated: 2025-06-22. Review status: criteria provided, single submitter. Criteria: Invitae Variant Classification Sherloc (09022015). Collection method: clinical testing. Allele origin: germline.
Comment: This sequence change replaces leucine, which is neutral and non-polar, with proline, which is neutral and non-polar, at codon 408 of the MTMR14 protein (p.Leu408Pro). This variant is not present in population databases (gnomAD no frequency). This variant has not been reported in the literature in individuals affected with MTMR14-related conditions. Invitae Evidence Modeling of protein sequence and biophysical properties (such as structural, functional, and spatial information, amino acid conservation, physicochemical variation, residue mobility, and thermodynamic stability) indicates that this missense variant is not expected to disrupt MTMR14 protein function with a negative predictive value of 80%. In summary, the available evidence is currently insufficient to determine the role of this variant in disease. Therefore, it has been classified as a Variant of Uncertain Significance.

NM_001077525.3(MTMR14):c.1223T>C (p.Leu408Pro)

Gene: MTMR14 (myotubularin related protein 14; plus strand). Cytogenetic location: 3p25.3.
Variant type: single nucleotide variant.
Coding change: c.1223T>C on transcript NM_001077525.3 (MANE Select); coding-DNA position 1223, T replaced by C.
Protein change: p.Leu408Pro; replaces leucine 408 with proline.
Molecular consequence: missense variant. On other transcripts: non-coding transcript variant (9).
Genome position (GRCh38, 1-based): chr3:9,687,879, T>C. VCF-style: chr3-9687879-T-C. GRCh37 (hg19) VCF-style: chr3-9729563-T-C.
Other names: c.1223T>C, p.Leu408Pro (NM_001077526.3, NM_022485.5); c.1292T>C, p.Leu431Pro (NM_001400518.1, NM_001400521.1); c.1220T>C, p.Leu407Pro (NM_001400519.1, NM_001400522.1); c.1148T>C, p.Leu383Pro (NM_001400520.1, NM_001400523.1, NM_001400528.1); c.977T>C, p.Leu326Pro (NM_001400524.1, NM_001400527.1, NM_001400530.1); c.941T>C, p.Leu314Pro (NM_001400525.1, NM_001400529.1, NM_001400532.1); c.1217T>C, p.Leu406Pro (NM_001400526.1); c.974T>C, p.Leu325Pro (NM_001400531.1); and 5 more; short protein forms L169P, L289P, L407P, L194P, L301P, L406P, L314P, L325P.
Identifiers: ClinVar variation 4739345 (VCV004739345.1).